The following is an entry in ClinVar:

ClinVar aggregate classification (germline): Conflicting classifications of pathogenicity. Review status: criteria provided, conflicting classifications (1 of 4 stars). 3 submissions from 3 submitters: Likely pathogenic (1); Uncertain significance (2). Last evaluated 2025-07-28.

Conditions:
Inborn genetic diseases. Identifiers: MedGen C0950123, MeSH D030342.
Combined deficiency of sialidase AND beta galactosidase (GSL). Also called: Galactosialidosis; PPCA DEFICIENCY; PROTECTIVE PROTEIN/CATHEPSIN A DEFICIENCY; CATHEPSIN A DEFICIENCY; GOLDBERG SYNDROME; NEURAMINIDASE DEFICIENCY WITH BETA-GALACTOSIDASE DEFICIENCY. Identifiers: Orphanet 351, MedGen C0268233, MONDO:0009737, OMIM 256540.

Allele frequency attached by ClinVar (database versions not stated): gnomAD exomes below 0.00001; gnomAD 0.00001.
gnomAD v4.1: 5 of 1,614,006 alleles (0.00031%); highest among the groups gnomAD compares: South Asian, 0.0011%; no homozygotes.

Submissions (3):

Labcorp Genetics (formerly Invitae), Labcorp
Classification: Uncertain significance for Combined deficiency of sialidase AND beta galactosidase. Last evaluated: 2025-07-28. Review status: criteria provided, single submitter. Criteria: Invitae Variant Classification Sherloc (09022015). Collection method: clinical testing. Allele origin: germline.
Comment: This sequence change replaces arginine, which is basic and polar, with tryptophan, which is neutral and slightly polar, at codon 442 of the CTSA protein (p.Arg442Trp). This variant is present in population databases (no rsID available, gnomAD 0.003%). This missense change has been observed in individual(s) with galactosialidosis (PMID: 18937050). ClinVar contains an entry for this variant (Variation ID: 1511079). Invitae Evidence Modeling of protein sequence and biophysical properties (such as structural, functional, and spatial information, amino acid conservation, physicochemical variation, residue mobility, and thermodynamic stability) indicates that this missense variant is expected to disrupt CTSA protein function with a positive predictive value of 80%. In summary, the available evidence is currently insufficient to determine the role of this variant in disease. Therefore, it has been classified as a Variant of Uncertain Significance.

Women's Health and Genetics/Laboratory Corporation of America, LabCorp
Classification: Uncertain significance. Last evaluated: 2025-05-12. Review status: criteria provided, single submitter. Criteria: LabCorp Variant Classification Summary - May 2015. Collection method: clinical testing. Allele origin: germline.
Comment: Variant summary: CTSA c.1270C>T (p.Arg424Trp) results in a non-conservative amino acid change in the encoded protein sequence. Algorithms developed to predict the effect of missense changes on protein structure and function all suggest that this variant is likely to be disruptive. The variant allele was found at a frequency of 4e-06 in 251440 control chromosomes. The available data on variant occurrences in the general population are insufficient to allow any conclusion about variant significance. c.1270C>T has been observed in an individual affected with Galactosialidosis (Kiss_2008). These report(s) do not provide unequivocal conclusions about association of the variant with Galactosialidosis. To our knowledge, no experimental evidence demonstrating an impact on protein function has been reported. The following publication have been ascertained in the context of this evaluation (PMID: 18937050). ClinVar contains an entry for this variant (Variation ID: 1511079). Based on the evidence outlined above, the variant was classified as uncertain significance.

Ambry Genetics
Classification: Likely pathogenic for Inborn genetic diseases. Last evaluated: 2021-08-24. Review status: criteria provided, single submitter. Criteria: Ambry Variant Classification Scheme 2023. Collection method: clinical testing. Allele origin: germline.
Comment: The c.1324C>T (p.R442W) alteration is located in exon 14 (coding exon 14) of the CTSA gene. This alteration results from a C to T substitution at nucleotide position 1324, causing the arginine (R) at amino acid position 442 to be replaced by a tryptophan (W). Based on data from gnomAD, the T allele has an overall frequency of <0.01% (2/282824) total alleles studied. This alteration, also reported as p.R396W in literature, has been detected in the compound heterozygous state with a second CTSA alteration in a patient with a biochemical diagnosis of galactosialidosis (Kiss, 2008). This amino acid position is highly conserved in available vertebrate species. This alteration is predicted to be deleterious by in silico analysis. Based on the available evidence, this alteration is classified as likely pathogenic.

Literature cited by the submitters: PubMed 18937050 (cited by 3 submitters).

NM_000308.4(CTSA):c.1270C>T (p.Arg424Trp)

Gene: CTSA (cathepsin A; plus strand). Cytogenetic location: 20q13.12.
Variant type: single nucleotide variant.
Coding change: c.1270C>T on transcript NM_000308.4 (MANE Select); coding-DNA position 1270, C replaced by T.
Protein change: p.Arg424Trp; replaces arginine 424 with tryptophan.
Molecular consequence: missense variant. On other transcripts: non-coding transcript variant (1).
Genome position (GRCh38, 1-based): chr20:45,898,020, C>T. VCF-style: chr20-45898020-C-T. GRCh37 (hg19) VCF-style: chr20-44526659-C-T.
Other names: c.1270C>T, p.Arg424Trp (NM_001127695.3); c.1219C>T, p.Arg407Trp (NM_001167594.3); c.1324C>T (NM_000308.2); short protein forms R424W, R407W.
Identifiers: ClinVar variation 1511079 (VCV001511079.8), dbSNP rs1247403237, ClinGen allele CA409254206.